The following is an entry in ClinVar:

ClinVar aggregate classification (germline): Uncertain significance (1 of 4 stars; one submission).

Submission:

GeneDx
Classification: Uncertain significance. Last evaluated: 2022-04-05. Review status: criteria provided, single submitter. Criteria: GeneDx Variant Classification Process June 2021. Collection method: clinical testing. Allele origin: germline. Affected: yes.
Comment: Not observed at significant frequency in large population cohorts (gnomAD); In silico analysis supports that this missense variant does not alter protein structure/function; Has not been previously published as pathogenic or benign to our knowledge

NM_001271.4(CHD2):c.4553A>G (p.Lys1518Arg)

Gene: CHD2 (chromodomain helicase DNA binding protein 2; plus strand). Cytogenetic location: 15q26.1.
Variant type: single nucleotide variant.
Coding change: c.4553A>G on transcript NM_001271.4 (MANE Select); coding-DNA position 4553, A replaced by G.
Protein change: p.Lys1518Arg; replaces lysine 1518 with arginine.
Molecular consequence: missense variant.
Genome position (GRCh38, 1-based): chr15:93,009,284, A>G. VCF-style: chr15-93009284-A-G. GRCh37 (hg19) VCF-style: chr15-93552514-A-G.
Other names: short protein forms K1518R.
Identifiers: ClinVar variation 1708943 (VCV001708943.2), dbSNP rs2505617576, ClinGen allele CA393904638.